The following is an entry in ClinVar:

NM_018979.4(WNK1):c.-514C>T

Gene: WNK1 (WNK lysine deficient protein kinase 1; plus strand). Cytogenetic location: 12p13.33.
Variant type: single nucleotide variant.
Coding change: c.-514C>T on transcript NM_018979.4 (MANE Select); 514 bases upstream of the start codon, C replaced by T.
Molecular consequence: 5 prime UTR variant.
Genome position (GRCh38, 1-based): chr12:753,052, C>T. VCF-style: chr12-753052-C-T. GRCh37 (hg19) VCF-style: chr12-862218-C-T.
Other names: c.-514C>T (NM_001184985.2, NM_014823.3, NM_213655.5).
Identifiers: ClinVar variation 882539 (VCV000882539.4), dbSNP rs577916238, ClinGen allele CA231462690.

ClinVar aggregate classification (germline): Likely benign (1 of 4 stars; one submission).

Conditions:
Pseudohypoaldosteronism type 2C (PHA2C). Also called: Pseudohypoaldosteronism Type IIC. Identifiers: Orphanet 757, Orphanet 88940, MedGen C1840391, MONDO:0013778, OMIM 614492.

Allele frequency attached by ClinVar (database versions not stated): 1000 Genomes Project 0.00080; gnomAD 0.00175 and 0.00191; 1000 Genomes Project 30x 0.00187; TOPMed 0.00193.

Submission:

Illumina Laboratory Services, Illumina
Classification: Likely benign for Pseudohypoaldosteronism type 2C. Last evaluated: 2018-01-12. Review status: criteria provided, single submitter. Criteria: ICSL Variant Classification Criteria 13 December 2019. Collection method: clinical testing. Allele origin: germline.
Comment: This variant was observed in the ICSL laboratory as part of a predisposition screen in an ostensibly healthy population. It had not been previously curated by ICSL or reported in the Human Gene Mutation Database (HGMD: prior to June 1st, 2018), and was therefore a candidate for classification through an automated scoring system. Utilizing variant allele frequency, disease prevalence and penetrance estimates, and inheritance mode, an automated score was calculated to assess if this variant is too frequent to cause the disease. Based on the score and internal cut-off values, a variant classified as likely benign is not then subjected to further curation. The score for this variant resulted in a classification of likely benign for this disease.